The following is an entry in ClinVar:

ClinVar aggregate classification (germline): Benign (1 of 4 stars; one submission).

Conditions:
Landau-Kleffner syndrome (FESD). Also called: EPILEPSY, FOCAL, WITH SPEECH DISORDER AND WITH OR WITHOUT MENTAL RETARDATION; APHASIA, ACQUIRED, WITH EPILEPSY. Identifiers: Orphanet 1945, Orphanet 725, Orphanet 98818, MedGen C0282512, MONDO:0009509, OMIM 245570.

Allele frequency attached by ClinVar (database versions not stated): TOPMed 0.00004; 1000 Genomes Project 30x 0.00047; 1000 Genomes Project 0.00040; gnomAD below 0.00001 and 0.00010; gnomAD exomes 0.00008.
gnomAD v4.1: 20 of 220,326 alleles (0.0091%); highest among the groups gnomAD compares: South Asian, 0.37%; no homozygotes.

Submission:

Illumina Laboratory Services, Illumina
Classification: Benign for Landau-Kleffner syndrome. Last evaluated: 2018-01-13. Review status: criteria provided, single submitter. Criteria: ICSL Variant Classification Criteria 13 December 2019. Collection method: clinical testing. Allele origin: germline.
Comment: This variant was observed in the ICSL laboratory as part of a predisposition screen in an ostensibly healthy population. It had not been previously curated by ICSL or reported in the Human Gene Mutation Database (HGMD: prior to June 1st, 2018), and was therefore a candidate for classification through an automated scoring system. Utilizing variant allele frequency, disease prevalence and penetrance estimates, and inheritance mode, an automated score was calculated to assess if this variant is too frequent to cause the disease. Based on the score and internal cut-off values, a variant classified as benign is not then subjected to further curation. The score for this variant resulted in a classification of benign for this disease.

NM_001134407.3(GRIN2A):c.*5365G>A

Gene: GRIN2A (glutamate ionotropic receptor NMDA type subunit 2A; minus strand). Cytogenetic location: 16p13.2.
Variant type: single nucleotide variant.
Coding change: c.*5365G>A on transcript NM_001134407.3 (MANE Select); 5365 bases downstream of the stop codon, G replaced by A.
Molecular consequence: 3 prime UTR variant.
Genome position (GRCh38, 1-based): chr16:9,757,784, C>T on the plus strand (G>A on the coding strand, the complement: GRIN2A is on the minus strand). VCF-style: chr16-9757784-C-T. GRCh37 (hg19) VCF-style: chr16-9851641-C-T.
Other names: c.*5365G>A (NM_000833.5); c.*5571G>A (NM_001134408.2).
Identifiers: ClinVar variation 321532 (VCV000321532.5), dbSNP rs554155423, ClinGen allele CA10638742.
Genomic context (GRCh38, chr16:9,757,784, plus strand): 5'-TTAAACAATATCCCTGTTGATTTTTCCTAAGGAGACGGTCTCTGAGAAAAGTTTTCTCTT[C>T]TAGGAACTTTAAGACAGGGATTGTGAGGGAGTTTAAAGGAAAACCAAATTCAAAGAAGCA-3'